The following is an entry in ClinVar:

ClinVar aggregate classification (germline): Uncertain significance (1 of 4 stars; one submission).

Allele frequency attached by ClinVar (database versions not stated): TOPMed 0.00001.

Submission:

Labcorp Genetics (formerly Invitae), Labcorp
Classification: Uncertain significance. Last evaluated: 2024-02-23. Review status: criteria provided, single submitter. Criteria: Invitae Variant Classification Sherloc (09022015). Collection method: clinical testing. Allele origin: germline.
Comment: This sequence change replaces lysine, which is basic and polar, with arginine, which is basic and polar, at codon 93 of the EXOC6B protein (p.Lys93Arg). This variant is not present in population databases (gnomAD no frequency). This variant has not been reported in the literature in individuals affected with EXOC6B-related conditions. ClinVar contains an entry for this variant (Variation ID: 2080408). Experimental studies and prediction algorithms are not available or were not evaluated, and the functional significance of this variant is currently unknown. In summary, the available evidence is currently insufficient to determine the role of this variant in disease. Therefore, it has been classified as a Variant of Uncertain Significance.

NM_015189.3(EXOC6B):c.278A>G (p.Lys93Arg)

Gene: EXOC6B (exocyst complex component 6B; minus strand). Cytogenetic location: 2p13.2.
Variant type: single nucleotide variant.
Coding change: c.278A>G on transcript NM_015189.3 (MANE Select); coding-DNA position 278, A replaced by G.
Protein change: p.Lys93Arg; replaces lysine 93 with arginine.
Molecular consequence: missense variant. On other transcripts: non-coding transcript variant (2), intron variant (1).
Genome position (GRCh38, 1-based): chr2:72,741,305, T>C on the plus strand (A>G on the coding strand, the complement: EXOC6B is on the minus strand). VCF-style: chr2-72741305-T-C. GRCh37 (hg19) VCF-style: chr2-72968434-T-C.
Other names: c.278A>G, p.Lys93Arg (NM_001321729.2, NM_001321730.2, NM_001321731.2 and 1 more transcripts); c.-60-8187A>G (NM_001321734.2); short protein forms K93R.
Identifiers: ClinVar variation 2080408 (VCV002080408.4), dbSNP rs958011362, ClinGen allele CA50139939.